The following is an entry in ClinVar:

NM_001130987.2(DYSF):c.1712G>A (p.Arg571His)

Gene: DYSF (dysferlin; plus strand). Cytogenetic location: 2p13.2.
Variant type: single nucleotide variant.
Coding change: c.1712G>A on transcript NM_001130987.2 (MANE Select); coding-DNA position 1712, G replaced by A.
Protein change: p.Arg571His; replaces arginine 571 with histidine.
Molecular consequence: missense variant.
Genome position (GRCh38, 1-based): chr2:71,551,626, G>A. VCF-style: chr2-71551626-G-A. GRCh37 (hg19) VCF-style: chr2-71778756-G-A.
Other names: c.1661G>A, p.Arg554His (NM_001130455.2, NM_001130983.2); c.1616G>A, p.Arg539His (NM_001130976.2, NM_001130977.2); c.1658G>A, p.Arg553His (NM_001130978.2, NM_003494.4); c.1751G>A, p.Arg584His (NM_001130979.2); c.1709G>A, p.Arg570His (NM_001130980.2, NM_001130981.2); c.1754G>A, p.Arg585His (NM_001130982.2); c.1619G>A, p.Arg540His (NM_001130984.2, NM_001130986.2); c.1712G>A, p.Arg571His (NM_001130985.2); short protein forms R553H, R571H, R584H, R585H, R540H, R570H, R539H, R554H.
Identifiers: ClinVar variation 451164 (VCV000451164.9), dbSNP rs1368149283, ClinGen allele CA347217588.

ClinVar aggregate classification (germline): Uncertain significance. Review status: criteria provided, multiple submitters, no conflicts (2 of 4 stars). 4 submissions from 4 submitters: Uncertain significance (3). 1 of the submissions does not count toward it. Last evaluated 2025-03-04.

Conditions:
Neuromuscular disease caused by qualitative or quantitative defects of dysferlin. Also called: Dysferlinopathy; Qualitative or quantitative defects of dysferlin. Identifiers: Orphanet 207073, MedGen C2931687, MONDO:0016145.
Autosomal recessive limb-girdle muscular dystrophy type 2B (LGMDR2). Also called: MUSCULAR DYSTROPHY, LIMB-GIRDLE, AUTOSOMAL RECESSIVE 2; MUSCULAR DYSTROPHY, LIMB-GIRDLE, TYPE 3; Limb-girdle muscular dystrophy, type 2B; Limb-Girdle Muscular Dystrophy Type 2B (LGMD2B). Identifiers: Orphanet 268, MedGen C1850889, MONDO:0009676, OMIM 253601.

Allele frequency attached by ClinVar (database versions not stated): gnomAD exomes below 0.00001; TOPMed 0.00001.
gnomAD v4.1: 8 of 1,608,140 alleles (0.0005%); highest among the groups gnomAD compares: Middle Eastern, 0.017%; no homozygotes.

Submissions (4):

GeneDx
Classification: Uncertain significance. Last evaluated: 2025-03-04. Review status: criteria provided, single submitter. Criteria: GeneDx Variant Classification Process June 2021. Collection method: clinical testing. Allele origin: germline. Affected: yes.
Comment: Not observed at significant frequency in large population cohorts (gnomAD); In silico analysis supports that this missense variant has a deleterious effect on protein structure/function; Has not been previously published as pathogenic or benign to our knowledge

Labcorp Genetics (formerly Invitae), Labcorp
Classification: Uncertain significance for Neuromuscular disease caused by qualitative or quantitative defects of dysferlin. Last evaluated: 2022-05-20. Review status: criteria provided, single submitter. Criteria: Invitae Variant Classification Sherloc (09022015). Collection method: clinical testing. Allele origin: germline.
Comment: This sequence change replaces arginine, which is basic and polar, with histidine, which is basic and polar, at codon 553 of the DYSF protein (p.Arg553His). The frequency data for this variant in the population databases is considered unreliable, as metrics indicate poor data quality at this position in the gnomAD database. This variant has not been reported in the literature in individuals affected with DYSF-related conditions. ClinVar contains an entry for this variant (Variation ID: 451164). Advanced modeling of protein sequence and biophysical properties (such as structural, functional, and spatial information, amino acid conservation, physicochemical variation, residue mobility, and thermodynamic stability) performed at Invitae indicates that this missense variant is expected to disrupt DYSF protein function. In summary, the available evidence is currently insufficient to determine the role of this variant in disease. Therefore, it has been classified as a Variant of Uncertain Significance.

Eurofins Ntd Llc (ga)
Classification: Uncertain significance. Last evaluated: 2017-06-06. Review status: criteria provided, single submitter. Criteria: EGL Classification Definitions 2015. Collection method: clinical testing. Allele origin: germline. Observed: 1 variant allele, 1 heterozygote.

Natera, Inc.
Classification: Uncertain significance for Limb-girdle muscular dystrophy type 2B. Last evaluated: 2020-08-04. Review status: no assertion criteria provided. Collection method: clinical testing. Allele origin: germline. Not counted in ClinVar's aggregate classification.